The following is an entry in ClinVar:

ClinVar aggregate classification (germline): Uncertain significance. Review status: criteria provided, multiple submitters, no conflicts (2 of 4 stars). 2 submissions from 2 submitters: Uncertain significance (2). Last evaluated 2025-08-22.

Conditions:
Cardiovascular phenotype. Identifiers: MedGen CN230736.
Myofibrillar myopathy 4. Also called: Zaspopathy (type). Identifiers: Orphanet 98912, MedGen C4721886, MONDO:0012277, OMIM 609452.

Allele frequency attached by ClinVar (database versions not stated): gnomAD exomes 0.00002 and 0.00004; TOPMed 0.00002; gnomAD 0.00003; ExAC 0.00005.
gnomAD v4.1: 30 of 1,613,954 alleles (0.0019%); highest among the groups gnomAD compares: East Asian, 0.033%; no homozygotes.

Submissions (2):

Ambry Genetics
Classification: Uncertain significance for Cardiovascular phenotype. Last evaluated: 2025-08-22. Review status: criteria provided, single submitter. Criteria: Ambry Variant Classification Scheme 2023. Collection method: clinical testing. Allele origin: germline.
Comment: The p.E684K variant (also known as c.2050G>A), located in coding exon 12 of the LDB3 gene, results from a G to A substitution at nucleotide position 2050. The glutamic acid at codon 684 is replaced by lysine, an amino acid with similar properties. This amino acid position is highly conserved in available vertebrate species. In addition, this alteration is predicted to be deleterious by in silico analysis. Since supporting evidence is limited at this time, the clinical significance of this alteration remains unclear.

Labcorp Genetics (formerly Invitae), Labcorp
Classification: Uncertain significance for Myofibrillar myopathy 4. Last evaluated: 2025-08-02. Review status: criteria provided, single submitter. Criteria: Invitae Variant Classification Sherloc (09022015). Collection method: clinical testing. Allele origin: germline.
Comment: The LDB3 gene has multiple clinically relevant transcripts. This variant occurs in alternate transcript NM_007078.3, and corresponds to NM_001080116.1:c.*26834G>A in the primary transcript. This sequence change replaces glutamic acid, which is acidic and polar, with lysine, which is basic and polar, at codon 684 of the LDB3 protein (p.Glu684Lys). This variant is present in population databases (rs754552434, gnomAD 0.05%). This variant has not been reported in the literature in individuals affected with LDB3-related conditions. Experimental studies and prediction algorithms are not available or were not evaluated, and the functional significance of this variant is currently unknown. In summary, the available evidence is currently insufficient to determine the role of this variant in disease. Therefore, it has been classified as a Variant of Uncertain Significance.

NM_007078.3(LDB3):c.2050G>A (p.Glu684Lys)

Gene: LDB3 (LIM domain binding 3; plus strand). Cytogenetic location: 10q23.2.
Variant type: single nucleotide variant.
Coding change: c.2050G>A on transcript NM_007078.3 (MANE Select); coding-DNA position 2050, G replaced by A.
Protein change: p.Glu684Lys; replaces glutamic acid 684 with lysine.
Molecular consequence: missense variant.
Genome position (GRCh38, 1-based): chr10:86,726,208, G>A. VCF-style: chr10-86726208-G-A. GRCh37 (hg19) VCF-style: chr10-88485965-G-A.
Other names: c.1720G>A, p.Glu574Lys (NM_001080114.2); c.2065G>A, p.Glu689Lys (NM_001171610.2); c.1861G>A, p.Glu621Lys (NM_001368064.1, NM_001368065.1); c.1909G>A, p.Glu637Lys (NM_001368066.1); short protein forms E574K, E621K, E637K, E684K, E689K.
Identifiers: ClinVar variation 1004178 (VCV001004178.13), dbSNP rs754552434, ClinGen allele CA5585307.
Genomic context (GRCh38, chr10:86,726,208, plus strand): 5'-CTGTTCAGCACCAAGTGCCATGGCTGCGATTTCCCCGTGGAGGCTGGCGACAAGTTTATC[G>A]AAGCCCTGGGCCACACTTGGCACGACACCTGCTTCATTTGCGCAGTATGTCTCTAGCTTG-3'
Protein context (NP_009009.1, residues 674-694): FPVEAGDKFI[Glu684Lys]ALGHTWHDTC